The following is an entry in ClinVar:

ClinVar aggregate classification (germline): Uncertain significance. Review status: criteria provided, multiple submitters, no conflicts (2 of 4 stars). 5 submissions from 5 submitters: Uncertain significance (5). Last evaluated 2025-07-21.

Conditions:
Hereditary cancer-predisposing syndrome. Also called: Neoplastic Syndromes, Hereditary; Tumor predisposition; Hereditary Cancer Syndrome; Hereditary neoplastic syndrome. Identifiers: Orphanet 140162, MedGen C0027672, MeSH D009386, MONDO:0015356.
Familial cancer of breast. Also called: BREAST CANCER, FAMILIAL; hereditary breast carcinoma; Hereditary breast cancer. Identifiers: Orphanet 227535, MedGen C0346153, MONDO:0016419, OMIM 114480. Disease mechanism: loss of function.

Allele frequency attached by ClinVar (database versions not stated): gnomAD exomes below 0.00001; gnomAD 0.00001; TOPMed 0.00001.
gnomAD v4.1: 4 of 1,596,062 alleles (0.00025%); highest among the groups gnomAD compares: Non-Finnish European, 0.00034%; no homozygotes.

Submissions (5):

Labcorp Genetics (formerly Invitae), Labcorp
Classification: Uncertain significance for Familial cancer of breast. Last evaluated: 2025-07-21. Review status: criteria provided, single submitter. Criteria: Invitae Variant Classification Sherloc (09022015). Collection method: clinical testing. Allele origin: germline.
Comment: This sequence change replaces alanine, which is neutral and non-polar, with valine, which is neutral and non-polar, at codon 541 of the CHEK2 protein (p.Ala541Val). This variant is not present in population databases (gnomAD no frequency). This variant has not been reported in the literature in individuals affected with CHEK2-related conditions. ClinVar contains an entry for this variant (Variation ID: 922650). An algorithm developed to predict the effect of missense changes on protein structure and function (PolyPhen-2) suggests that this variant is likely to be tolerated. In summary, the available evidence is currently insufficient to determine the role of this variant in disease. Therefore, it has been classified as a Variant of Uncertain Significance.

Baylor Genetics
Classification: Uncertain significance for Familial cancer of breast. Last evaluated: 2023-11-23. Review status: criteria provided, single submitter. Criteria: ACMG Guidelines, 2015. Collection method: clinical testing. Allele origin: unknown.

Ambry Genetics
Classification: Uncertain significance for Hereditary cancer-predisposing syndrome. Last evaluated: 2023-03-30. Review status: criteria provided, single submitter. Criteria: Ambry Variant Classification Scheme 2023. Collection method: clinical testing. Allele origin: germline.
Comment: The p.A541V variant (also known as c.1622C>T), located in coding exon 14 of the CHEK2 gene, results from a C to T substitution at nucleotide position 1622. The alanine at codon 541 is replaced by valine, an amino acid with similar properties. This alteration was detected in 1/1054 Hispanic BRCA1/2-negative probands with hereditary breast cancer and 0/1189 controls. (Weitzel JN et al. Cancer, 2019 Aug;125:2829-2836). This amino acid position is well conserved in available vertebrate species. In addition, this alteration is predicted to be tolerated by in silico analysis. Since supporting evidence is limited at this time, the clinical significance of this alteration remains unclear.

Women's Health and Genetics/Laboratory Corporation of America, LabCorp
Classification: Uncertain significance. Last evaluated: 2022-04-19. Review status: criteria provided, single submitter. Criteria: LabCorp Variant Classification Summary - May 2015. Collection method: clinical testing. Allele origin: germline.
Comment: Variant summary: CHEK2 c.1622C>T (p.Ala541Val) results in a non-conservative amino acid change in the encoded protein sequence. Three of five in-silico tools predict a benign effect of the variant on protein function. The variant was absent in 233688 control chromosomes. The available data on variant occurrences in the general population are insufficient to allow any conclusion about variant significance. c.1622C>T has been reported in the literature in settings of multigene panel testing among individuals affected with Hereditary BRCA-negative breast cancer (example, Weitzel_2019). These report(s) do not provide unequivocal conclusions about association of the variant with Hereditary Breast And Ovarian Cancer Syndrome. To our knowledge, no experimental evidence demonstrating an impact on protein function has been reported. Two clinical diagnostic laboratories have submitted clinical-significance assessments for this variant to ClinVar after 2014 without evidence for independent evaluation. All laboratories classified the variant as uncertain significance. Based on the evidence outlined above, the variant was classified as uncertain significance.

Color Diagnostics, LLC DBA Color Health
Classification: Uncertain significance for Hereditary cancer-predisposing syndrome. Last evaluated: 2020-09-29. Review status: criteria provided, single submitter. Criteria: ACMG Guidelines, 2015. Collection method: clinical testing. Allele origin: germline.
Comment: This missense variant replaces alanine with valine at codon 541 of the CHEK2 protein. Computational prediction suggests that this variant may not impact protein structure and function (internally defined REVEL score threshold <= 0.5, PMID: 27666373). To our knowledge, functional studies have not been reported for this variant. This variant has not been reported in individuals affected with hereditary cancer in the literature. This variant has not been identified in the general population by the Genome Aggregation Database (gnomAD). The available evidence is insufficient to determine the role of this variant in disease conclusively. Therefore, this variant is classified as a Variant of Uncertain Significance.

Literature cited by the submitters: PubMed 28640387 (cited by Ambry Genetics); PubMed 31206626 (cited by Ambry Genetics and Women's Health and Genetics/Laboratory Corporation of America, LabCorp).

NM_007194.4(CHEK2):c.1622C>T (p.Ala541Val)

Gene: CHEK2 (checkpoint kinase 2; minus strand). Cytogenetic location: 22q12.1.
Variant type: single nucleotide variant.
Coding change: c.1622C>T on transcript NM_007194.4 (MANE Select); coding-DNA position 1622, C replaced by T.
Protein change: p.Ala541Val; replaces alanine 541 with valine.
Molecular consequence: missense variant.
Genome position (GRCh38, 1-based): chr22:28,687,907, G>A on the plus strand (C>T on the coding strand, the complement: CHEK2 is on the minus strand). VCF-style: chr22-28687907-G-A. GRCh37 (hg19) VCF-style: chr22-29083895-G-A.
Other names: c.1751C>T, p.Ala584Val (NM_001005735.3); c.959C>T, p.Ala320Val (NM_001257387.3); c.1421C>T, p.Ala474Val (NM_001349956.3); c.1535C>T, p.Ala512Val (NM_145862.3); short protein forms A512V, A584V, A320V, A541V, A474V.
Identifiers: ClinVar variation 922650 (VCV000922650.15), dbSNP rs2052180370, ClinGen allele CA411090978.